The following is an entry in ClinVar:

ClinVar aggregate classification (germline): Uncertain significance (1 of 4 stars; one submission).

Conditions:
Inborn genetic diseases. Identifiers: MedGen C0950123, MeSH D030342.

gnomAD v4.1: 4 of 1,612,758 alleles (0.00025%); highest among the groups gnomAD compares: Non-Finnish European, 0.00034%; no homozygotes.

Submission:

Ambry Genetics
Classification: Uncertain significance for Inborn genetic diseases. Last evaluated: 2025-06-06. Review status: criteria provided, single submitter. Criteria: Ambry Variant Classification Scheme 2023. Collection method: clinical testing. Allele origin: germline.
Comment: The p.E747D variant (also known as c.2241A>C), located in coding exon 21 of the ANKRD26 gene, results from an A to C substitution at nucleotide position 2241. The glutamic acid at codon 747 is replaced by aspartic acid, an amino acid with highly similar properties. This amino acid position is conserved. In addition, this alteration is predicted to be tolerated by in silico analysis. Based on the available evidence, the clinical significance of this variant remains unclear.

NM_014915.3(ANKRD26):c.2241A>C (p.Glu747Asp)

Gene: ANKRD26 (ankyrin repeat domain containing 26; minus strand). Cytogenetic location: 10p12.1.
Variant type: single nucleotide variant.
Coding change: c.2241A>C on transcript NM_014915.3 (MANE Select); coding-DNA position 2241, A replaced by C.
Protein change: p.Glu747Asp; replaces glutamic acid 747 with aspartic acid.
Molecular consequence: missense variant.
Genome position (GRCh38, 1-based): chr10:27,040,099, T>G on the plus strand (A>C on the coding strand, the complement: ANKRD26 is on the minus strand). VCF-style: chr10-27040099-T-G. GRCh37 (hg19) VCF-style: chr10-27329028-T-G.
Other names: c.2238A>C, p.Glu746Asp (NM_001256053.2); short protein forms E746D, E747D.
Identifiers: ClinVar variation 3915066 (VCV003915066.1).
Genomic context (GRCh38, chr10:27,040,099, plus strand): 5'-TAGCTCCCTTTGTAGTACATTAACCTTGTCTTCCATTTTTTTAATTTTTACTGTAAGTAG[T>G]TCACAGTGATTTTTTTTAAGTTCTAATAATCTTTCACATGAAAGAGCTGCATCCTGGATT-3'
Protein context (NP_055730.2, residues 737-757): RLLELKKNHC[Glu747Asp]LLTVKIKKME